The following is an entry in ClinVar:

ClinVar aggregate classification (germline): Uncertain significance (1 of 4 stars; one submission).

Conditions:
Myopathy, centronuclear, 2 (CNM2). Also called: MYOTUBULAR MYOPATHY, AUTOSOMAL RECESSIVE. Identifiers: Orphanet 169186, MedGen CN031787, MONDO:0009709, OMIM 255200.

gnomAD v4.1: 2 of 1,536,300 alleles (0.00013%); highest among the groups gnomAD compares: Non-Finnish European, 0.00018%; no homozygotes.

Submission:

Labcorp Genetics (formerly Invitae), Labcorp
Classification: Uncertain significance for Myopathy, centronuclear, 2. Last evaluated: 2022-09-10. Review status: criteria provided, single submitter. Criteria: Invitae Variant Classification Sherloc (09022015). Collection method: clinical testing. Allele origin: germline.
Comment: This sequence change replaces proline, which is neutral and non-polar, with alanine, which is neutral and non-polar, at codon 340 of the BIN1 protein (p.Pro340Ala). This variant is not present in population databases (gnomAD no frequency). This variant has not been reported in the literature in individuals affected with BIN1-related conditions. Algorithms developed to predict the effect of missense changes on protein structure and function (SIFT, PolyPhen-2, Align-GVGD) all suggest that this variant is likely to be tolerated. In summary, the available evidence is currently insufficient to determine the role of this variant in disease. Therefore, it has been classified as a Variant of Uncertain Significance.

NM_139343.3(BIN1):c.1018C>G (p.Pro340Ala)

Gene: BIN1 (bridging integrator 1; minus strand). Cytogenetic location: 2q14.3.
Variant type: single nucleotide variant.
Coding change: c.1018C>G on transcript NM_139343.3 (MANE Select); coding-DNA position 1018, C replaced by G.
Protein change: p.Pro340Ala; replaces proline 340 with alanine.
Molecular consequence: missense variant. On other transcripts: intron variant (9).
Genome position (GRCh38, 1-based): chr2:127,057,586, G>C on the plus strand (C>G on the coding strand, the complement: BIN1 is on the minus strand). VCF-style: chr2-127057586-G-C. GRCh37 (hg19) VCF-style: chr2-127815162-G-C.
Other names: c.1018C>G, p.Pro340Ala (NM_001320640.2); c.925C>G, p.Pro309Ala (NM_001320641.2, NM_139347.3, NM_139348.3); c.937C>G, p.Pro313Ala (NM_001320642.1); c.970C>G, p.Pro324Ala (NM_139346.3); c.837+1425C>G (NM_001320634.1); c.909+1425C>G (NM_139351.3, NM_139350.3, NM_139349.3); c.954+1425C>G (NM_001320632.2, NM_004305.4); c.1002+1425C>G (NM_001320633.2, NM_139345.3, NM_139344.3); short protein forms P313A, P324A, P309A, P340A.
Identifiers: ClinVar variation 1954460 (VCV001954460.5), dbSNP rs1405949552, ClinGen allele CA348378858.
Genomic context (GRCh38, chr2:127,057,586, plus strand): 5'-TGAGGATCTGCTCCTGCTTGACTTCCTTGGACGGGGTGTGTTTGGGAGGCGGAGGGACTG[G>C]TGGGCCTTTCCGGAGCTGTGGGTCGGCGGCGGGTGAGGGGCCGCGCGGGAAGGCACAGCA-3'
Protein context (NP_647593.1, residues 330-350): KSPSQLRKGP[Pro340Ala]VPPPPKHTPS